The following is an entry in ClinVar:

NC_000009.11:g.(?_5122984)_(5126791_?)dup

Gene: JAK2 (Janus kinase 2; plus strand). Cytogenetic location: 9p24.1.
Variant type: Duplication.
Identifiers: ClinVar variation 3245332 (VCV003245332.1).

ClinVar aggregate classification (germline): Uncertain significance (1 of 4 stars; one submission).

Submission:

Labcorp Genetics (formerly Invitae), Labcorp
Classification: Uncertain significance. Last evaluated: 2023-12-22. Review status: criteria provided, single submitter. Criteria: Invitae Variant Classification Sherloc (09022015). Collection method: clinical testing. Allele origin: unknown.
Comment: This variant results in a copy number gain of the genomic region encompassing exon(s) 23-25 of the JAK2 gene. This region includes the termination codon of the gene. This copy number gain extends beyond the assayed region for this gene and therefore may encompass additional genes. As the precise location of this event is unknown, it may be in tandem or it may be located elsewhere in the genome. This variant has not been reported in the literature in individuals affected with JAK2-related conditions. In summary, the available evidence is currently insufficient to determine the role of this variant in disease. Therefore, it has been classified as a Variant of Uncertain Significance.